The following is an entry in ClinVar:

NM_001851.6(COL9A1):c.357G>T (p.Met119Ile)

Gene: COL9A1 (collagen type IX alpha 1 chain; minus strand). Cytogenetic location: 6q13.
Variant type: single nucleotide variant.
Coding change: c.357G>T on transcript NM_001851.6 (MANE Select); coding-DNA position 357, G replaced by T.
Protein change: p.Met119Ile; replaces methionine 119 with isoleucine.
Molecular consequence: missense variant.
Genome position (GRCh38, 1-based): chr6:70,294,506, C>A on the plus strand (G>T on the coding strand, the complement: COL9A1 is on the minus strand). VCF-style: chr6-70294506-C-A. GRCh37 (hg19) VCF-style: chr6-71004209-C-A.
Other names: c.357G>T, p.Met119Ile (NM_001377291.1); short protein forms M119I.
Identifiers: ClinVar variation 1394999 (VCV001394999.6), dbSNP rs753433014, ClinGen allele CA3882830.

ClinVar aggregate classification (germline): Uncertain significance (1 of 4 stars; one submission).

Allele frequency attached by ClinVar (database versions not stated): gnomAD exomes below 0.00001; TOPMed below 0.00001; ExAC 0.00001; gnomAD 0.00001.

Submission:

Labcorp Genetics (formerly Invitae), Labcorp
Classification: Uncertain significance. Last evaluated: 2022-01-02. Review status: criteria provided, single submitter. Criteria: Invitae Variant Classification Sherloc (09022015). Collection method: clinical testing. Allele origin: germline.
Comment: This variant is present in population databases (rs753433014, gnomAD 0.003%). This sequence change replaces methionine, which is neutral and non-polar, with isoleucine, which is neutral and non-polar, at codon 119 of the COL9A1 protein (p.Met119Ile). This variant has not been reported in the literature in individuals affected with COL9A1-related conditions. In summary, the available evidence is currently insufficient to determine the role of this variant in disease. Therefore, it has been classified as a Variant of Uncertain Significance. Advanced modeling of protein sequence and biophysical properties (such as structural, functional, and spatial information, amino acid conservation, physicochemical variation, residue mobility, and thermodynamic stability) performed at Invitae indicates that this missense variant is not expected to disrupt COL9A1 protein function.